The following is an entry in ClinVar:

ClinVar aggregate classification (germline): Uncertain significance (1 of 4 stars; one submission).

Submission:

Labcorp Genetics (formerly Invitae), Labcorp
Classification: Uncertain significance. Last evaluated: 2025-09-14. Review status: criteria provided, single submitter. Criteria: Invitae Variant Classification Sherloc (09022015). Collection method: clinical testing. Allele origin: germline.
Comment: This sequence change replaces valine, which is neutral and non-polar, with isoleucine, which is neutral and non-polar, at codon 224 of the RBBP8 protein (p.Val224Ile). This variant is not present in population databases (gnomAD no frequency). This variant has not been reported in the literature in individuals affected with RBBP8-related conditions. Invitae Evidence Modeling of protein sequence and biophysical properties (such as structural, functional, and spatial information, amino acid conservation, physicochemical variation, residue mobility, and thermodynamic stability) indicates that this missense variant is expected to disrupt RBBP8 protein function with a positive predictive value of 80%. In summary, the available evidence is currently insufficient to determine the role of this variant in disease. Therefore, it has been classified as a Variant of Uncertain Significance.

NM_002894.3(RBBP8):c.670G>A (p.Val224Ile)

Gene: RBBP8 (RB binding protein 8, endonuclease; plus strand). Cytogenetic location: 18q11.2.
Variant type: single nucleotide variant.
Coding change: c.670G>A on transcript NM_002894.3 (MANE Select); coding-DNA position 670, G replaced by A.
Protein change: p.Val224Ile; replaces valine 224 with isoleucine.
Molecular consequence: missense variant.
Genome position (GRCh38, 1-based): chr18:22,984,951, G>A. VCF-style: chr18-22984951-G-A. GRCh37 (hg19) VCF-style: chr18-20564914-G-A.
Other names: c.670G>A, p.Val224Ile (NM_203291.2, NM_203292.2); short protein forms V224I.
Identifiers: ClinVar variation 4744200 (VCV004744200.1).